The following is an entry in ClinVar:

ClinVar aggregate classification (germline): Uncertain significance (1 of 4 stars; one submission).

Conditions:
Familial thoracic aortic aneurysm and aortic dissection (TAAD). Also called: Thoracic aortic aneurysms and dissections. Identifiers: Orphanet 91387, MedGen C4707243, MONDO:0019625.

Submission:

Ambry Genetics
Classification: Uncertain significance for Familial thoracic aortic aneurysm and aortic dissection. Last evaluated: 2023-04-09. Review status: criteria provided, single submitter. Criteria: Ambry Variant Classification Scheme 2023. Collection method: clinical testing. Allele origin: germline.
Comment: The p.C133G variant (also known as c.397T>G), located in coding exon 2 of the PRKG1 gene, results from a T to G substitution at nucleotide position 397. The cysteine at codon 133 is replaced by glycine, an amino acid with highly dissimilar properties. This amino acid position is conserved. In addition, this alteration is predicted to be deleterious by in silico analysis. Since supporting evidence is limited at this time, the clinical significance of this alteration remains unclear.

NM_006258.4(PRKG1):c.397T>G (p.Cys133Gly)

Gene: PRKG1 (protein kinase cGMP-dependent 1; plus strand). Cytogenetic location: 10q21.1.
Variant type: single nucleotide variant.
Coding change: c.397T>G on transcript NM_006258.4 (MANE Select); coding-DNA position 397, T replaced by G.
Protein change: p.Cys133Gly; replaces cysteine 133 with glycine.
Molecular consequence: missense variant.
Genome position (GRCh38, 1-based): chr10:51,153,249, T>G. VCF-style: chr10-51153249-T-G. GRCh37 (hg19) VCF-style: chr10-52913009-T-G.
Other names: c.352T>G, p.Cys118Gly (NM_001098512.3); c.397T>G, p.Cys133Gly (NM_001374782.1); short protein forms C118G, C133G.
Identifiers: ClinVar variation 2565416 (VCV002565416.2), dbSNP rs1420926342, ClinGen allele CA376827476.